The following is an entry in ClinVar:

ClinVar aggregate classification (germline): Likely pathogenic (1 of 4 stars; one submission).

Conditions:
Pyridoxine-dependent epilepsy (EPEO4). Also called: PYRIDOXINE DEPENDENCY WITH SEIZURES; Pyridoxine-Dependent Seizures; Pyridoxine-Dependent Epilepsy - ALDH7A1; EPILEPSY, EARLY-ONSET, 4, VITAMIN B6-DEPENDENT. Identifiers: Orphanet 3006, MedGen C1849508, MONDO:0009945, OMIM 266100. Disease mechanism: loss of function.

gnomAD v4.1: 2 of 1,613,786 alleles (0.00012%); highest among the groups gnomAD compares: Non-Finnish European, 0.00017%; no homozygotes.

Submission:

Women's Health and Genetics/Laboratory Corporation of America, LabCorp
Classification: Likely pathogenic for Pyridoxine-dependent epilepsy. Last evaluated: 2025-09-15. Review status: criteria provided, single submitter. Criteria: LabCorp Variant Classification Summary - May 2015. Collection method: clinical testing. Allele origin: germline.
Comment: Variant summary: ALDH7A1 c.773+2T>C is located in a canonical splice-site and is predicted to affect mRNA splicing resulting in a significantly altered protein due to either exon skipping, shortening, or inclusion of intronic material. Variants that disrupt the consensus splice site are a relatively common cause of aberrant splicing and loss of ALDH7A1 function. Several computational tools predict a significant impact on normal splicing: Two predict the variant abolishes a 5' splicing donor site. One predict the variant no significant impact on splicing. However, these predictions have yet to be confirmed by functional studies. The variant was absent in 251484 control chromosomes. To our knowledge, no occurrence of c.773+2T>C in individuals affected with ALDH7A1-related conditions and no experimental evidence demonstrating its impact on protein function have been reported. No submitters have cited clinical-significance assessments for this variant to ClinVar. Based on the evidence outlined above, the variant was classified as likely pathogenic.

NM_001182.5(ALDH7A1):c.773+2T>C

Gene: ALDH7A1 (aldehyde dehydrogenase 7 family member A1; minus strand). Cytogenetic location: 5q23.2.
Variant type: single nucleotide variant.
Coding change: c.773+2T>C on transcript NM_001182.5 (MANE Select); the canonical splice donor site of the intron after coding-DNA position 773, T replaced by C.
Molecular consequence: splice donor variant.
Genome position (GRCh38, 1-based): chr5:126,570,780, A>G on the plus strand (T>C on the coding strand, the complement: ALDH7A1 is on the minus strand). VCF-style: chr5-126570780-A-G. GRCh37 (hg19) VCF-style: chr5-125906472-A-G.
Other names: c.773+2T>C (NM_001202404.2); c.689+2T>C (NM_001201377.2).
Identifiers: ClinVar variation 4535530 (VCV004535530.1).